The following is an entry in ClinVar:

ClinVar aggregate classification (germline): Pathogenic. Review status: reviewed by expert panel (3 of 4 stars). 5 submissions from 5 submitters: Pathogenic (1). 4 of the submissions do not count toward it. Last evaluated 2016-10-18.

Conditions:
Breast-ovarian cancer, familial, susceptibility to, 2 (BROVCA2). Also called: BRCA2 Hereditary Breast and Ovarian Cancer. Identifiers: Orphanet 145, MedGen C2675520, MONDO:0012933, OMIM 612555. Disease mechanism: loss of function.
Hereditary cancer-predisposing syndrome. Also called: Hereditary neoplastic syndrome; Neoplastic Syndromes, Hereditary; Tumor predisposition; Hereditary Cancer Syndrome. Identifiers: Orphanet 140162, MedGen C0027672, MeSH D009386, MONDO:0015356.
Familial cancer of breast. Also called: hereditary breast carcinoma; BREAST CANCER, FAMILIAL; Hereditary breast cancer. Identifiers: Orphanet 227535, MedGen C0346153, MONDO:0016419, OMIM 114480. Disease mechanism: loss of function.

Submissions (5):

Evidence-based Network for the Interpretation of Germline Mutant Alleles (ENIGMA)
Classification: Pathogenic for Breast-ovarian cancer, familial, susceptibility to, 2. Last evaluated: 2016-10-18. Review status: reviewed by expert panel. Criteria: ENIGMA BRCA1/2 Classification Criteria (2015). Collection method: curation. Allele origin: germline.
Comment: Variant allele predicted to encode a truncated non-functional protein.

GeneDx
Classification: Pathogenic. Last evaluated: 2022-07-17. Review status: criteria provided, single submitter. Criteria: GeneDx Variant Classification Process June 2021. Collection method: clinical testing. Allele origin: germline. Affected: yes. Not counted in ClinVar's aggregate classification.
Comment: Nonsense variant predicted to result in protein truncation in a gene for which loss of function is a known mechanism of disease; Not observed at significant frequency in large population cohorts (gnomAD); Observed in a baby with Fanconi anemia, with confirmed chromosome breakage, co-occurring with a large deletion in PALB2 (Toksoy et al., 2020); Truncating variants in this gene are considered pathogenic by a well-established clinical consortium and/or database; Also known as 9967C>T; This variant is associated with the following publications: (PMID: 29446198, 33224011, 33224012)

Baylor Genetics
Classification: Pathogenic for Familial cancer of breast. Last evaluated: 2022-02-21. Review status: criteria provided, single submitter. Criteria: ACMG Guidelines, 2015. Collection method: clinical testing. Allele origin: unknown. Not counted in ClinVar's aggregate classification.

Ambry Genetics
Classification: Pathogenic for Hereditary cancer-predisposing syndrome. Last evaluated: 2020-01-07. Review status: criteria provided, single submitter. Criteria: Ambry Variant Classification Scheme 2023. Collection method: clinical testing. Allele origin: germline. Not counted in ClinVar's aggregate classification.
Comment: The p.Q3247* variant (also known as c.9739C>T), located in coding exon 26 of the BRCA2 gene, results from a C to T substitution at nucleotide position 9739. This changes the amino acid from a glutamine to a stop codon within coding exon 26. This alteration was identified in a large, worldwide study of BRCA1/2 mutation positive families (Rebbeck TR et al. Hum. Mutat. 2018 05;39:593-620). In addition to the clinical data presented in the literature, this alteration is expected to result in loss of function by premature protein truncation. As such, this alteration is interpreted as a disease-causing mutation.

Consortium of Investigators of Modifiers of BRCA1/2 (CIMBA), c/o University of Cambridge
Classification: Pathogenic for Breast-ovarian cancer, familial, susceptibility to, 2. Last evaluated: 2015-10-02. Review status: criteria provided, single submitter. Criteria: CIMBA Mutation Classification guidelines May 2016. Collection method: clinical testing. Allele origin: germline. Not counted in ClinVar's aggregate classification.

Literature cited by the submitters: PubMed 29446198 (cited by Ambry Genetics).

NM_000059.4(BRCA2):c.9739C>T (p.Gln3247Ter)

Gene: BRCA2 (BRCA2 DNA repair associated; plus strand). Cytogenetic location: 13q13.1.
Variant type: single nucleotide variant.
Coding change: c.9739C>T on transcript NM_000059.4 (MANE Select); coding-DNA position 9739, C replaced by T.
Protein change: p.Gln3247Ter; replaces glutamine 3247 with a stop codon.
Molecular consequence: nonsense.
Genome position (GRCh38, 1-based): chr13:32,398,252, C>T. VCF-style: chr13-32398252-C-T. GRCh37 (hg19) VCF-style: chr13-32972389-C-T.
Other names: 9967C>T; short protein forms Q3247*.
Identifiers: ClinVar variation 267170 (VCV000267170.8), dbSNP rs886040849, ClinGen allele CA10589572.